The following is an entry in ClinVar:

ClinVar aggregate classification (germline): Uncertain significance (1 of 4 stars; one submission).

Conditions:
Charcot-Marie-Tooth disease axonal type 2Z. Also called: CHARCOT-MARIE-TOOTH DISEASE, AXONAL, AUTOSOMAL DOMINANT, TYPE 2Z; CHARCOT-MARIE-TOOTH NEUROPATHY, TYPE 2Z. Identifiers: Orphanet 466768, MedGen C5569025, MONDO:0014736, OMIM 616688.

gnomAD v4.1: 21 of 1,614,010 alleles (0.0013%); highest among the groups gnomAD compares: Non-Finnish European, 0.0018%; no homozygotes.

Submission:

Labcorp Genetics (formerly Invitae), Labcorp
Classification: Uncertain significance for Charcot-Marie-Tooth disease axonal type 2Z. Last evaluated: 2025-12-19. Review status: criteria provided, single submitter. Criteria: Invitae Variant Classification Sherloc (09022015). Collection method: clinical testing. Allele origin: germline.
Comment: This sequence change replaces arginine, which is basic and polar, with leucine, which is neutral and non-polar, at codon 893 of the MORC2 protein (p.Arg893Leu). This variant is present in population databases (rs202243108, gnomAD 0.0009%). This variant has not been reported in the literature in individuals affected with MORC2-related conditions. ClinVar contains an entry for this variant (Variation ID: 3704590). Invitae Evidence Modeling of protein sequence and biophysical properties (such as structural, functional, and spatial information, amino acid conservation, physicochemical variation, residue mobility, and thermodynamic stability) has been performed for this missense variant. However, the output from this modeling did not meet the statistical confidence thresholds required to predict the impact of this variant on MORC2 protein function. In summary, the available evidence is currently insufficient to determine the role of this variant in disease. Therefore, it has been classified as a Variant of Uncertain Significance.

NM_001303256.3(MORC2):c.2678G>T (p.Arg893Leu)

Gene: MORC2 (MORC family CW-type zinc finger 2; minus strand). Cytogenetic location: 22q12.2.
Variant type: single nucleotide variant.
Coding change: c.2678G>T on transcript NM_001303256.3 (MANE Select); coding-DNA position 2678, G replaced by T.
Protein change: p.Arg893Leu; replaces arginine 893 with leucine.
Molecular consequence: missense variant.
Genome position (GRCh38, 1-based): chr22:30,932,614, C>A on the plus strand (G>T on the coding strand, the complement: MORC2 is on the minus strand). VCF-style: chr22-30932614-C-A. GRCh37 (hg19) VCF-style: chr22-31328601-C-A.
Other names: c.2678G>T, p.Arg893Leu (NM_001303257.2); c.2492G>T, p.Arg831Leu (NM_014941.3); short protein forms R893L, R831L.
Identifiers: ClinVar variation 3704590 (VCV003704590.2).